The following is an entry in ClinVar:

ClinVar aggregate classification (germline): Uncertain significance (1 of 4 stars; one submission).

Allele frequency attached by ClinVar (database versions not stated): gnomAD exomes below 0.00001.
gnomAD v4.1: 7 of 1,607,248 alleles (0.00044%); highest among the groups gnomAD compares: Admixed American, 0.0034%; no homozygotes.

Submission:

Labcorp Genetics (formerly Invitae), Labcorp
Classification: Uncertain significance. Last evaluated: 2023-03-14. Review status: criteria provided, single submitter. Criteria: Invitae Variant Classification Sherloc (09022015). Collection method: clinical testing. Allele origin: germline.
Comment: An algorithm developed to predict the effect of missense changes on protein structure and function (PolyPhen-2) suggests that this variant is likely to be disruptive. In summary, the available evidence is currently insufficient to determine the role of this variant in disease. Therefore, it has been classified as a Variant of Uncertain Significance. ClinVar contains an entry for this variant (Variation ID: 1970649). This variant has not been reported in the literature in individuals affected with TAOK2-related conditions. This variant is present in population databases (no rsID available, gnomAD 0.003%). This sequence change replaces arginine, which is basic and polar, with histidine, which is basic and polar, at codon 724 of the TAOK2 protein (p.Arg724His).

NM_016151.4(TAOK2):c.2171G>A (p.Arg724His)

Gene: TAOK2 (TAO kinase 2; plus strand). Cytogenetic location: 16p11.2.
Variant type: single nucleotide variant.
Coding change: c.2171G>A on transcript NM_016151.4 (MANE Select); coding-DNA position 2171, G replaced by A.
Protein change: p.Arg724His; replaces arginine 724 with histidine.
Molecular consequence: missense variant.
Genome position (GRCh38, 1-based): chr16:29,986,443, G>A. VCF-style: chr16-29986443-G-A. GRCh37 (hg19) VCF-style: chr16-29997764-G-A.
Other names: c.2171G>A, p.Arg724His (NM_001252043.2, NM_004783.4); short protein forms R724H.
Identifiers: ClinVar variation 1970649 (VCV001970649.5), dbSNP rs867355297, ClinGen allele CA280398505.